The following is an entry in ClinVar:

NM_001267550.2(TTN):c.211_217delinsGGGGGGATCGTCC (p.Thr71_Ala73delinsGlyGlyIleValPro)

Gene: TTN (titin; minus strand). Cytogenetic location: 2q31.2.
Variant type: Indel.
Coding change: c.211_217delinsGGGGGGATCGTCC on transcript NM_001267550.2 (MANE Select); coding-DNA positions 211 to 217, ACTAAAG replaced by GGGGGGATCGTCC.
Protein change: p.Thr71_Ala73delinsGlyGlyIleValPro.
Molecular consequence: inframe indel.
Genome position (GRCh38, 1-based): chr2:178,802,216-178,802,222, CTTTAGT replaced by GGACGATCCCCCC on the plus strand (ACTAAAG replaced by GGGGGGATCGTCC on the coding strand, the reverse complement: TTN is on the minus strand). VCF-style: chr2-178802216-CTTTAGT-GGACGATCCCCCC. GRCh37 (hg19) VCF-style: chr2-179666943-CTTTAGT-GGACGATCCCCCC.
Other names: c.211_217delinsGGGGGGATCGTCC, p.Thr71_Ala73delinsGlyGlyIleValPro (NM_001256850.1, NM_003319.4, NM_133378.4 and 3 more transcripts); c.211_217delACTAAAGinsGGGGGGATCGTCC (NM_003319.4).
Identifiers: ClinVar variation 500940 (VCV000500940.6), dbSNP rs1554045286, ClinGen allele CA658796107.
Genomic context (GRCh38, chr2:178,802,216, plus strand): 5'-CAGTACTAGTCGCTTGTCCAGATCCATTGGTGGCTTTCAGGGAATATCGTCCACTGTTGG[CTTTAGT>GGACGATCCCCCC]CACGGCGGGGATCGTCAGTTTAGCGCGGCCATCGCTAAAGGAGATCTGCACGCCGGGCAG-3'

ClinVar aggregate classification (germline): Uncertain significance. Review status: criteria provided, multiple submitters, no conflicts (2 of 4 stars). 2 submissions from 2 submitters: Uncertain significance (2). Last evaluated 2024-04-11.

Conditions:
Cardiovascular phenotype. Identifiers: MedGen CN230736.

Submissions (2):

Ambry Genetics
Classification: Uncertain significance for Cardiovascular phenotype. Last evaluated: 2024-04-11. Review status: criteria provided, single submitter. Criteria: Ambry Variant Classification Scheme 2023. Collection method: clinical testing. Allele origin: germline.
Comment: The c.211_217delACTAAAGins13 variant (also known as p.T71_A73delinsGGIVP), located in coding exon 2 of the TTN gene, results from an in-frame deletion of ACTAAAG and insertion of GGGGGGATCGTCC at nucleotide positions 211 to 217. This results in the substitution of the threonine, lysine, and alanine residues at codons 71 to 73 for glycine, glycine, isoleucine, valine, and proline residues. This amino acid region is well conserved in available vertebrate species. In addition, this alteration is predicted to be deleterious by in silico analysis (Choi Y et al. PLoS ONE. 2012; 7(10):e46688). Since supporting evidence is limited at this time, the clinical significance of this alteration remains unclear.

Eurofins Ntd Llc (ga)
Classification: Uncertain significance. Last evaluated: 2017-03-24. Review status: criteria provided, single submitter. Criteria: EGL Classification Definitions 2015. Collection method: clinical testing. Allele origin: germline. Observed: 1 variant allele, 1 heterozygote.